The following is an entry in ClinVar:

ClinVar aggregate classification (germline): Uncertain significance. Review status: criteria provided, multiple submitters, no conflicts (2 of 4 stars). 2 submissions from 2 submitters: Uncertain significance (2). Last evaluated 2023-09-17.

Conditions:
Neurodevelopmental disorder with regression, abnormal movements, loss of speech, and seizures. Identifiers: Orphanet 597623, MedGen C4748127, MONDO:0060759, OMIM 618088.
IRF2BPL-related disorder. Also called: IRF2BPL-related condition. Identifiers: MedGen CN381093.

Allele frequency attached by ClinVar (database versions not stated): gnomAD exomes below 0.00001.
gnomAD v4.1: 2 of 1,606,354 alleles (0.00012%); highest among the groups gnomAD compares: South Asian, 0.0011%; no homozygotes.

Submissions (2):

PreventionGenetics, part of Exact Sciences
Classification: Uncertain significance for IRF2BPL-related condition. Last evaluated: 2023-09-17. Review status: criteria provided, single submitter. Criteria: ACMG Guidelines, 2015. Collection method: clinical testing. Allele origin: germline.
Comment: The IRF2BPL c.2200C>T variant is predicted to result in the amino acid substitution p.Pro734Ser. To our knowledge, this variant has not been reported in the literature or in a large population database, indicating this variant is rare. At this time, the clinical significance of this variant is uncertain due to the absence of conclusive functional and genetic evidence.

Revvity Omics, Revvity
Classification: Uncertain significance for Neurodevelopmental disorder with regression, abnormal movements, loss of speech, and seizures. Last evaluated: 2022-06-28. Review status: criteria provided, single submitter. Criteria: ACMG Guidelines, 2015. Collection method: clinical testing. Allele origin: germline.

NM_024496.4(IRF2BPL):c.2200C>T (p.Pro734Ser)

Gene: IRF2BPL (interferon regulatory factor 2 binding protein like; minus strand). Cytogenetic location: 14q24.3.
Variant type: single nucleotide variant.
Coding change: c.2200C>T on transcript NM_024496.4 (MANE Select); coding-DNA position 2200, C replaced by T.
Protein change: p.Pro734Ser; replaces proline 734 with serine.
Molecular consequence: missense variant.
Genome position (GRCh38, 1-based): chr14:77,025,593, G>A on the plus strand (C>T on the coding strand, the complement: IRF2BPL is on the minus strand). VCF-style: chr14-77025593-G-A. GRCh37 (hg19) VCF-style: chr14-77491936-G-A.
Other names: c.2200C>T (NM_024496.3); short protein forms P734S.
Identifiers: ClinVar variation 2432872 (VCV002432872.4), dbSNP rs1885088030, ClinGen allele CA390487175.